The following is an entry in ClinVar:

NM_198129.4(LAMA3):c.5980_5981del (p.Glu1993_Ala1994insTer)

Gene: LAMA3 (laminin subunit alpha 3; plus strand). Cytogenetic location: 18q11.2.
Variant type: Deletion.
Coding change: c.5980_5981del on transcript NM_198129.4 (MANE Select); coding-DNA positions 5980 to 5981, 2 bases deleted (GC; older notation c.5980_5981delGC).
Protein change: p.Glu1993_Ala1994insTer.
Molecular consequence: nonsense. On other transcripts: intron variant (2).
Genome position (GRCh38, 1-based): chr18:23,899,431-23,899,432, GC deleted. VCF-style (leftmost placement, unchanged base first): chr18-23899430-AGC-A. GRCh37 (hg19) VCF-style: chr18-21479394-AGC-A.
Other names: c.1153_1154del, p.Glu384_Ala385insTer (NM_000227.6); c.5836+366_5836+367del (NM_001127717.4); c.1009+366_1009+367del (NM_001127718.4).
Identifiers: ClinVar variation 370688 (VCV000370688.16), dbSNP rs1057516688, ClinGen allele CA16041934.

ClinVar aggregate classification (germline): Pathogenic. Review status: criteria provided, single submitter (1 of 4 stars). 2 submissions from 2 submitters: Pathogenic (1). 1 of the submissions does not count toward it. Last evaluated 2025-01-01.

Conditions:
Junctional epidermolysis bullosa gravis of Herlitz. Also called: EPIDERMOLYSIS BULLOSA, JUNCTIONAL 1B, SEVERE; Herlitz-type junctional epidermolysis bullosa; Epidermolysis Bullosa Letalis; EPIDERMOLYSIS BULLOSA JUNCTIONALIS, HERLITZ TYPE; EPIDERMOLYSIS BULLOSA, JUNCTIONAL, HERLITZ-PEARSON TYPE; JEB-HERLITZ TYPE. Identifiers: Orphanet 79404, MedGen C0079683, MONDO:0009182, OMIM 226700.

Allele frequency attached by ClinVar (database versions not stated): gnomAD exomes below 0.00001; TOPMed below 0.00001.

Submissions (2):

CeGaT Center for Human Genetics Tuebingen
Classification: Pathogenic. Last evaluated: 2025-01-01. Review status: criteria provided, single submitter. Criteria: CeGaT Center For Human Genetics Tuebingen Variant Classification Criteria Version 2. Collection method: clinical testing. Allele origin: germline. Affected: yes. Observed: 1 variant allele.
Comment: LAMA3: PVS1, PM2, PM3

Counsyl
Classification: Likely pathogenic for Junctional epidermolysis bullosa gravis of Herlitz. Last evaluated: 2016-03-22. Review status: no assertion criteria provided. Collection method: clinical testing. Allele origin: unknown. Not counted in ClinVar's aggregate classification.